The following is an entry in ClinVar:

ClinVar aggregate classification (germline): Uncertain significance. Review status: criteria provided, multiple submitters, no conflicts (2 of 4 stars). 2 submissions from 2 submitters: Uncertain significance (2). Last evaluated 2025-01-15.

Conditions:
Inborn genetic diseases. Identifiers: MedGen C0950123, MeSH D030342.

gnomAD v4.1: 15 of 1,614,130 alleles (0.00093%); highest among the groups gnomAD compares: South Asian, 0.0066%; 1 homozygote.

Submissions (2):

Labcorp Genetics (formerly Invitae), Labcorp
Classification: Uncertain significance. Last evaluated: 2025-01-15. Review status: criteria provided, single submitter. Criteria: Invitae Variant Classification Sherloc (09022015). Collection method: clinical testing. Allele origin: germline.
Comment: This sequence change replaces alanine, which is neutral and non-polar, with valine, which is neutral and non-polar, at codon 1645 of the NBAS protein (p.Ala1645Val). This variant is present in population databases (rs774943549, gnomAD 0.003%). This variant has not been reported in the literature in individuals affected with NBAS-related conditions. ClinVar contains an entry for this variant (Variation ID: 2274505). Invitae Evidence Modeling of protein sequence and biophysical properties (such as structural, functional, and spatial information, amino acid conservation, physicochemical variation, residue mobility, and thermodynamic stability) has been performed for this missense variant. However, the output from this modeling did not meet the statistical confidence thresholds required to predict the impact of this variant on NBAS protein function. In summary, the available evidence is currently insufficient to determine the role of this variant in disease. Therefore, it has been classified as a Variant of Uncertain Significance.

Ambry Genetics
Classification: Uncertain significance for Inborn genetic diseases. Last evaluated: 2022-01-27. Review status: criteria provided, single submitter. Criteria: Ambry Variant Classification Scheme 2023. Collection method: clinical testing. Allele origin: germline.

NM_015909.4(NBAS):c.4934C>T (p.Ala1645Val)

Gene: NBAS (NBAS subunit of NRZ tethering complex; minus strand). Cytogenetic location: 2p24.3.
Variant type: single nucleotide variant.
Coding change: c.4934C>T on transcript NM_015909.4 (MANE Select); coding-DNA position 4934, C replaced by T.
Protein change: p.Ala1645Val; replaces alanine 1645 with valine.
Molecular consequence: missense variant. On other transcripts: non-coding transcript variant (1).
Genome position (GRCh38, 1-based): chr2:15,292,630, G>A on the plus strand (C>T on the coding strand, the complement: NBAS is on the minus strand). VCF-style: chr2-15292630-G-A. GRCh37 (hg19) VCF-style: chr2-15432754-G-A.
Other names: c.4934C>T (NM_015909.2); short protein forms A1645V.
Identifiers: ClinVar variation 2274505 (VCV002274505.5), dbSNP rs774943549, ClinGen allele CA1535454.